The following is an entry in ClinVar:

ClinVar aggregate classification (germline): Uncertain significance. Review status: criteria provided, multiple submitters, no conflicts (2 of 4 stars). 3 submissions from 3 submitters: Uncertain significance (3). Last evaluated 2025-02-01.

Conditions:
SLC10A1-related disorder. Also called: SLC10A1-related condition.

Submissions (3):

PreventionGenetics, part of Exact Sciences
Classification: Uncertain significance for SLC10A1-related condition. Last evaluated: 2025-02-01. Review status: criteria provided, single submitter. Criteria: ACMG Guidelines, 2015. Collection method: clinical testing. Allele origin: germline.
Comment: The SLC10A1 c.608_609delCA variant is predicted to result in a frameshift and premature protein termination (p.Thr203Serfs*74). To our knowledge, this variant has not been reported in the literature. This variant is reported in 0.0026% of alleles in individuals of European (Non-Finnish) descent in gnomAD. Other early termination changes both up and downstream in SLC10A1 have been reported in association with familial hypercholanemia 2 (also known as sodium-taurocholate cotransporting polypeptide deficiency); however few pathogenic alterations have been documented on the whole (Deng et al. 2021. PubMed ID: 34369070). Although we suspect that this variant may be pathogenic, at this time, the clinical significance of this variant is uncertain due to the absence of conclusive functional and genetic evidence.

CeGaT Center for Human Genetics Tuebingen
Classification: Uncertain significance. Last evaluated: 2021-10-01. Review status: criteria provided, single submitter. Criteria: CeGaT Center For Human Genetics Tuebingen Variant Classification Criteria Version 2. Collection method: clinical testing. Allele origin: germline. Affected: yes. Observed: 1 variant allele.

Eurofins Ntd Llc (ga)
Classification: Uncertain significance. Last evaluated: 2017-10-03. Review status: criteria provided, single submitter. Criteria: EGL Classification Definitions 2015. Collection method: clinical testing. Allele origin: germline. Observed: 1 variant allele, 1 heterozygote.

NM_003049.4(SLC10A1):c.608_609del (p.Thr203fs)

Gene: SLC10A1 (solute carrier family 10 member 1; minus strand). Cytogenetic location: 14q24.1.
Variant type: Microsatellite.
Coding change: c.608_609del on transcript NM_003049.4 (MANE Select); coding-DNA positions 608 to 609, 2 bases deleted (CA; older notation c.608_609delCA).
Protein change: p.Thr203fs; shifts the reading frame from threonine 203.
Molecular consequence: frameshift variant.
Genome position (GRCh38, 1-based): chr14:69,779,319-69,779,320, TG deleted on the plus strand (CA on the coding strand, the reverse complement: SLC10A1 is on the minus strand); deleting any 2 consecutive bases within chr14:69,779,319-69,779,322 gives the same sequence; the c. name uses the placement nearest the transcript's 3' end. VCF-style (leftmost placement, unchanged base first): chr14-69779318-CTG-C. GRCh37 (hg19) VCF-style: chr14-70246035-CTG-C.
Other names: c.608_609delCA (NM_003049.3); short protein forms T203fs.
Identifiers: ClinVar variation 594286 (VCV000594286.41), dbSNP rs755991705, ClinGen allele CA7246072.